The following is an entry in ClinVar:

ClinVar aggregate classification (germline): Uncertain significance (1 of 4 stars; one submission).

Submission:

GeneDx
Classification: Uncertain significance. Last evaluated: 2025-04-01. Review status: criteria provided, single submitter. Criteria: GeneDx Variant Classification Process June 2021. Collection method: clinical testing. Allele origin: germline. Affected: yes.
Comment: In silico analysis supports a deleterious effect on splicing; No data available from control populations to assess the frequency of this variant; Has not been previously published as pathogenic or benign to our knowledge

NM_031263.4(HNRNPK):c.-107-12T>A

Gene: HNRNPK (heterogeneous nuclear ribonucleoprotein K; minus strand). Cytogenetic location: 9q21.32.
Variant type: single nucleotide variant.
Coding change: c.-107-12T>A on transcript NM_031263.4 (MANE Select); 12 bases into the intron before 107 bases upstream of the start codon, T replaced by A.
Molecular consequence: intron variant.
Genome position (GRCh38, 1-based): chr9:83,978,464, A>T on the plus strand (T>A on the coding strand, the complement: HNRNPK is on the minus strand). VCF-style: chr9-83978464-A-T. GRCh37 (hg19) VCF-style: chr9-86593379-A-T.
Other names: c.-107-12T>A (NM_031262.4, NM_002140.5, NM_001318186.2 and 2 more transcripts).
Identifiers: ClinVar variation 4278694 (VCV004278694.1).